The following is an entry in ClinVar:

NM_000038.6(APC):c.5827A>G (p.Arg1943Gly)

Gene: APC (APC regulator of Wnt signaling pathway; plus strand). Cytogenetic location: 5q22.2.
Variant type: single nucleotide variant.
Coding change: c.5827A>G on transcript NM_000038.6 (MANE Select); coding-DNA position 5827, A replaced by G.
Protein change: p.Arg1943Gly; replaces arginine 1943 with glycine.
Molecular consequence: missense variant.
Genome position (GRCh38, 1-based): chr5:112,841,421, A>G. VCF-style: chr5-112841421-A-G. GRCh37 (hg19) VCF-style: chr5-112177118-A-G.
Other names: c.5827A>G, p.Arg1943Gly (NM_001127510.3, NM_001354895.2); c.5773A>G, p.Arg1925Gly (NM_001127511.3); c.5881A>G, p.Arg1961Gly (NM_001354896.2); c.5857A>G, p.Arg1953Gly (NM_001354897.2); c.5752A>G, p.Arg1918Gly (NM_001354898.2); c.5743A>G, p.Arg1915Gly (NM_001354899.2); c.5704A>G, p.Arg1902Gly (NM_001354900.2); c.5650A>G, p.Arg1884Gly (NM_001354901.2); and 5 more; short protein forms R1817G, R1902G, R1925G, R1953G, R1884G, R1783G, R1918G, R1943G.
Identifiers: ClinVar variation 921188 (VCV000921188.7), dbSNP rs1766059319, ClinGen allele CA16034078.
Genomic context (GRCh38, chr5:112,841,421, plus strand): 5'-CCTAAACCCATACTTCAGAAACAATCCACTTTTCCCCAGTCATCCAAAGACATACCAGAC[A>G]GAGGGGCAGCAACTGATGAAAAGTTACAGAATTTTGCTATTGAAAATACTCCGGTTTGCT-3'
Protein context (NP_000029.2, residues 1933-1953): FPQSSKDIPD[Arg1943Gly]GAATDEKLQN

ClinVar aggregate classification (germline): Uncertain significance. Review status: criteria provided, multiple submitters, no conflicts (2 of 4 stars). 3 submissions from 3 submitters: Uncertain significance (3). Last evaluated 2024-04-02.

Conditions:
Hereditary cancer-predisposing syndrome. Also called: Neoplastic Syndromes, Hereditary; Tumor predisposition; Hereditary Cancer Syndrome; Hereditary neoplastic syndrome. Identifiers: Orphanet 140162, MedGen C0027672, MeSH D009386, MONDO:0015356.

Submissions (3):

Institute for Biomarker Research, Medical Diagnostic Laboratories, L.L.C.
Classification: Uncertain significance for Hereditary cancer-predisposing syndrome. Last evaluated: 2024-04-02. Review status: criteria provided, single submitter. Criteria: ACMG Guidelines, 2015. Collection method: clinical testing. Allele origin: germline.

Color Diagnostics, LLC DBA Color Health
Classification: Uncertain significance for Hereditary cancer-predisposing syndrome. Last evaluated: 2023-12-05. Review status: criteria provided, single submitter. Criteria: ACMG Guidelines, 2015. Collection method: clinical testing. Allele origin: germline.
Comment: This missense variant replaces arginine with glycine at codon 1943 of the APC protein. Computational prediction suggests that this variant may not impact protein structure and function (internally defined REVEL score threshold <= 0.5, PMID: 27666373). To our knowledge, functional studies have not been reported for this variant. This variant has not been reported in individuals affected with APC-related disorders in the literature. This variant has not been identified in the general population by the Genome Aggregation Database (gnomAD). The available evidence is insufficient to determine the role of this variant in disease conclusively. Therefore, this variant is classified as a Variant of Uncertain Significance.

Ambry Genetics
Classification: Uncertain significance for Hereditary cancer-predisposing syndrome. Last evaluated: 2022-04-18. Review status: criteria provided, single submitter. Criteria: Ambry Variant Classification Scheme 2023. Collection method: clinical testing. Allele origin: germline.
Comment: The p.R1943G variant (also known as c.5827A>G), located in coding exon 15 of the APC gene, results from an A to G substitution at nucleotide position 5827. The arginine at codon 1943 is replaced by glycine, an amino acid with dissimilar properties. This amino acid position is well conserved in available vertebrate species. In addition, in silico predictors for this gene do not accurately predict pathogenicity. Since supporting evidence is limited at this time, the clinical significance of this alteration remains unclear.